The following is an entry in ClinVar:

ClinVar aggregate classification (germline): Uncertain significance (1 of 4 stars; one submission).

Submission:

Labcorp Genetics (formerly Invitae), Labcorp
Classification: Uncertain significance. Last evaluated: 2024-06-24. Review status: criteria provided, single submitter. Criteria: Invitae Variant Classification Sherloc (09022015). Collection method: clinical testing. Allele origin: germline.
Comment: This variant, c.533_535dup, results in the insertion of 1 amino acid(s) of the PSMB4 protein (p.Glu178dup), but otherwise preserves the integrity of the reading frame. This variant is not present in population databases (gnomAD no frequency). This variant has not been reported in the literature in individuals affected with PSMB4-related conditions. In summary, the available evidence is currently insufficient to determine the role of this variant in disease. Therefore, it has been classified as a Variant of Uncertain Significance.

NM_002796.3(PSMB4):c.533_535dup (p.Glu178_Ala179insGlu)

Gene: PSMB4 (proteasome 20S subunit beta 4; plus strand). Cytogenetic location: 1q21.3.
Variant type: Duplication.
Coding change: c.533_535dup on transcript NM_002796.3 (MANE Select); coding-DNA positions 533 to 535, 3 bases duplicated (AAG; older notation c.533_535dupAAG).
Protein change: p.Glu178_Ala179insGlu.
Molecular consequence: inframe insertion.
Genome position (GRCh38, 1-based): chr1:151,400,802-151,400,804, AAG duplicated; duplicating any 3 consecutive bases within chr1:151,400,801-151,400,804 gives the same sequence; the c. name uses the placement nearest the transcript's 3' end. VCF-style (leftmost placement, unchanged base first): chr1-151400800-T-TGAA. GRCh37 (hg19) VCF-style: chr1-151373276-T-TGAA.
Identifiers: ClinVar variation 3604990 (VCV003604990.2).